The following is an entry in ClinVar:

ClinVar aggregate classification (germline): Uncertain significance. Review status: criteria provided, multiple submitters, no conflicts (2 of 4 stars). 4 submissions from 4 submitters: Uncertain significance (3). 1 of the submissions does not count toward it. Last evaluated 2022-08-12.

Conditions:
Primary ciliary dyskinesia. Also called: Ciliary dyskinesia. Identifiers: Orphanet 244, MedGen C0008780, MONDO:0016575, HP:0012265.

Allele frequency attached by ClinVar (database versions not stated): gnomAD exomes below 0.00001.
gnomAD v4.1: 2 of 1,614,160 alleles (0.00012%); highest among the groups gnomAD compares: Admixed American, 0.0033%; no homozygotes.

Submissions (4):

GeneDx
Classification: Uncertain significance. Last evaluated: 2022-08-12. Review status: criteria provided, single submitter. Criteria: GeneDx Variant Classification Process June 2021. Collection method: clinical testing. Allele origin: germline. Affected: yes.
Comment: Not observed at significant frequency in large population cohorts (gnomAD); In silico analysis supports a deleterious effect on splicing; In silico analysis supports that this missense variant does not alter protein structure/function; Has not been previously published as pathogenic or benign to our knowledge

Labcorp Genetics (formerly Invitae), Labcorp
Classification: Uncertain significance for Primary ciliary dyskinesia. Last evaluated: 2021-01-12. Review status: criteria provided, single submitter. Criteria: Invitae Variant Classification Sherloc (09022015). Collection method: clinical testing. Allele origin: germline.
Comment: This variant is not present in population databases (ExAC no frequency). In summary, the available evidence is currently insufficient to determine the role of this variant in disease. Therefore, it has been classified as a Variant of Uncertain Significance. Algorithms developed to predict the effect of sequence changes on RNA splicing suggest that this variant may disrupt the consensus splice site, but this prediction has not been confirmed by published transcriptional studies. Algorithms developed to predict the effect of missense changes on protein structure and function (SIFT, PolyPhen-2, Align-GVGD) all suggest that this variant is likely to be tolerated, but these predictions have not been confirmed by published functional studies and their clinical significance is uncertain. This variant has not been reported in the literature in individuals with DNAH5-related conditions. ClinVar contains an entry for this variant (Variation ID: 167002). This sequence change replaces glutamine with arginine at codon 3299 of the DNAH5 protein (p.Gln3299Arg). The glutamine residue is highly conserved and there is a small physicochemical difference between glutamine and arginine.

Eurofins Ntd Llc (ga)
Classification: Uncertain significance. Last evaluated: 2014-02-18. Review status: criteria provided, single submitter. Criteria: EGL Classification Definitions 2015. Collection method: clinical testing. Allele origin: germline. Observed: 2 variant alleles, 2 heterozygotes.

Natera, Inc.
Classification: Uncertain significance for Primary ciliary dyskinesia. Last evaluated: 2020-10-17. Review status: no assertion criteria provided. Collection method: clinical testing. Allele origin: germline. Not counted in ClinVar's aggregate classification.

NM_001369.3(DNAH5):c.9896A>G (p.Gln3299Arg)

Gene: DNAH5 (dynein axonemal heavy chain 5; minus strand). Cytogenetic location: 5p15.2.
Variant type: single nucleotide variant.
Coding change: c.9896A>G on transcript NM_001369.3 (MANE Select); coding-DNA position 9896, A replaced by G.
Protein change: p.Gln3299Arg; replaces glutamine 3299 with arginine.
Molecular consequence: missense variant.
Genome position (GRCh38, 1-based): chr5:13,768,961, T>C on the plus strand (A>G on the coding strand, the complement: DNAH5 is on the minus strand). VCF-style: chr5-13768961-T-C. GRCh37 (hg19) VCF-style: chr5-13769070-T-C.
Other names: short protein forms Q3299R.
Identifiers: ClinVar variation 167002 (VCV000167002.26), dbSNP rs727503902, ClinGen allele CA233907.